The following is an entry in ClinVar:

ClinVar aggregate classification (germline): Conflicting classifications of pathogenicity. Review status: criteria provided, conflicting classifications (1 of 4 stars). 7 submissions from 7 submitters: Uncertain significance (1); Benign (3); Likely benign (3). Last evaluated 2026-06-01.

Conditions:
Microcytic anemia. Identifiers: MedGen C5194182, MONDO:0001245, HP:0001935. Disease mechanism: loss of function.

Allele frequency attached by ClinVar (database versions not stated): 1000 Genomes Project 0.00459; 1000 Genomes Project 30x 0.00468; TOPMed 0.00741; gnomAD exomes 0.00805 and 0.01039; gnomAD 0.00842 and 0.00876; ExAC 0.00857; ESP Exome Variant Server 0.00946.
gnomAD v4.1: 16,267 of 1,613,366 alleles (1%); highest among the groups gnomAD compares: Non-Finnish European, 1.2%; 100 homozygotes.

Submissions (7):

CeGaT Center for Human Genetics Tuebingen
Classification: Benign. Last evaluated: 2026-06-01. Review status: criteria provided, single submitter. Criteria: CeGaT Center For Human Genetics Tuebingen Variant Classification Criteria Version 2. Collection method: clinical testing. Allele origin: germline. Affected: yes. Observed: 11 variant alleles.
Comment: TMPRSS6: BS1, BS2

Labcorp Genetics (formerly Invitae), Labcorp
Classification: Benign. Last evaluated: 2026-01-16. Review status: criteria provided, single submitter. Criteria: Invitae Variant Classification Sherloc (09022015). Collection method: clinical testing. Allele origin: germline.

Mayo Clinic Laboratories, Mayo Clinic
Classification: Uncertain significance. Last evaluated: 2025-12-04. Review status: criteria provided, single submitter. Criteria: ACMG Guidelines, 2015. Collection method: clinical testing. Allele origin: germline. Observed: 23 variant alleles.

Blueprint Genetics
Classification: Likely benign. Last evaluated: 2024-11-27. Review status: criteria provided, single submitter. Criteria: ACMG Guidelines, 2015. Collection method: clinical testing. Allele origin: germline.

GeneDx
Classification: Likely benign. Last evaluated: 2019-05-22. Review status: criteria provided, single submitter. Criteria: GeneDx Variant Classification Process June 2021. Collection method: clinical testing. Allele origin: germline. Affected: yes.
Comment: See Variant Classification Assertion Criteria.

Illumina Laboratory Services, Illumina
Classification: Likely benign for Iron-refractory iron deficiency anemia. Last evaluated: 2017-04-27. Review status: criteria provided, single submitter. Criteria: ICSL Variant Classification Criteria 13 December 2019. Collection method: clinical testing. Allele origin: germline.
Comment: This variant was observed as part of a predisposition screen in an ostensibly healthy population. A literature search was performed for the gene, cDNA change, and amino acid change (where applicable). Publications were found based on this search. The evidence from the literature, in combination with allele frequency data from public databases where available, was sufficient to determine this variant is unlikely to cause disease. Therefore, this variant is classified as likely benign.

PreventionGenetics, part of Exact Sciences
Classification: Benign. Review status: criteria provided, single submitter. Criteria: ACMG Guidelines, 2015. Collection method: clinical testing. Allele origin: germline.

Literature cited by the submitters: PubMed 27643674 (cited by Mayo Clinic Laboratories, Mayo Clinic); PubMed 28460265 (cited by Mayo Clinic Laboratories, Mayo Clinic); PubMed 30135444 (cited by Mayo Clinic Laboratories, Mayo Clinic); PubMed 38072851 (cited by Mayo Clinic Laboratories, Mayo Clinic); PubMed 39985323 (cited by Mayo Clinic Laboratories, Mayo Clinic); PubMed 19818657 (cited by Illumina Laboratory Services, Illumina); PubMed 20719010 (cited by Illumina Laboratory Services, Illumina).

NM_001374504.1(TMPRSS6):c.2356G>A (p.Val786Ile)

Gene: TMPRSS6 (transmembrane serine protease 6; minus strand). Cytogenetic location: 22q12.3.
Variant type: single nucleotide variant.
Coding change: c.2356G>A on transcript NM_001374504.1 (MANE Select); coding-DNA position 2356, G replaced by A.
Protein change: p.Val786Ile; replaces valine 786 with isoleucine.
Molecular consequence: missense variant.
Genome position (GRCh38, 1-based): chr22:37,066,133, C>T on the plus strand (G>A on the coding strand, the complement: TMPRSS6 is on the minus strand). VCF-style: chr22-37066133-C-T. GRCh37 (hg19) VCF-style: chr22-37462173-C-T.
Other names: c.2422G>A, p.Val808Ile (NM_001289000.2); c.2356G>A, p.Val786Ile (NM_001289001.2, NM_153609.4); short protein forms V795I, V786I, V808I.
Identifiers: ClinVar variation 262727 (VCV000262727.42), dbSNP rs139105452, ClinGen allele CA10215235.